The following is an entry in ClinVar:

NM_133259.4(LRPPRC):c.3149-289C>T

Gene: LRPPRC (leucine rich pentatricopeptide repeat containing; minus strand). Cytogenetic location: 2p21.
Variant type: single nucleotide variant.
Coding change: c.3149-289C>T on transcript NM_133259.4 (MANE Select); 289 bases into the intron before coding-DNA position 3149, C replaced by T.
Molecular consequence: intron variant.
Genome position (GRCh38, 1-based): chr2:43,912,847, G>A on the plus strand (C>T on the coding strand, the complement: LRPPRC is on the minus strand). VCF-style: chr2-43912847-G-A. GRCh37 (hg19) VCF-style: chr2-44139986-G-A.
Identifiers: ClinVar variation 684327 (VCV000684327.1), dbSNP rs4952691, ClinGen allele CA11150651.

ClinVar aggregate classification (germline): Benign (1 of 4 stars; one submission).

Allele frequency attached by ClinVar (database versions not stated): gnomAD 0.62443 and 0.62621; TOPMed 0.65063; 1000 Genomes Project 30x 0.74329; 1000 Genomes Project 0.74521.

Submission:

GeneDx
Classification: Benign. Last evaluated: 2018-06-14. Review status: criteria provided, single submitter. Criteria: GeneDx Variant Classification (06012015). Collection method: clinical testing. Allele origin: germline. Affected: yes.
Comment: This variant is considered likely benign or benign based on one or more of the following criteria: it is a conservative change, it occurs at a poorly conserved position in the protein, it is predicted to be benign by multiple in silico algorithms, and/or has population frequency not consistent with disease.